The following is an entry in ClinVar:

NM_000218.3(KCNQ1):c.605A>G (p.Asp202Gly)

Gene: KCNQ1 (potassium voltage-gated channel subfamily Q member 1; plus strand). Cytogenetic location: 11p15.5.
Variant type: single nucleotide variant.
Coding change: c.605A>G on transcript NM_000218.3 (MANE Select); coding-DNA position 605, A replaced by G.
Protein change: p.Asp202Gly; replaces aspartic acid 202 with glycine.
Molecular consequence: missense variant.
Genome position (GRCh38, 1-based): chr11:2,571,325, A>G. VCF-style: chr11-2571325-A-G. GRCh37 (hg19) VCF-style: chr11-2592555-A-G.
Other names: p.D202G:GAC>GGC; c.605A>G, p.Asp202Gly (NM_001406836.1); c.335A>G, p.Asp112Gly (NM_001406837.1); c.224A>G, p.Asp75Gly (NM_181798.2); short protein forms D202G, D75G, D112G.
Identifiers: ClinVar variation 200895 (VCV000200895.10), dbSNP rs794728569, ClinGen allele CA007736.

ClinVar aggregate classification (germline): Pathogenic. Review status: criteria provided, multiple submitters, no conflicts (2 of 4 stars). 2 submissions from 2 submitters: Pathogenic (2). Last evaluated 2022-03-14.

Conditions:
Long QT syndrome (LQTS). Identifiers: MedGen C0023976, MeSH D008133, MONDO:0002442. Disease mechanism: loss of function. Inheritance: Various modes of inheritance.

Allele frequency attached by ClinVar (database versions not stated): TOPMed below 0.00001; gnomAD 0.00001.
gnomAD v4.1: 1 of 1,612,626 alleles (0.000062%); highest among the groups gnomAD compares: Non-Finnish European, 0.000085%; no homozygotes.

Submissions (2):

Labcorp Genetics (formerly Invitae), Labcorp
Classification: Pathogenic for Long QT syndrome. Last evaluated: 2022-03-14. Review status: criteria provided, single submitter. Criteria: Invitae Variant Classification Sherloc (09022015). Collection method: clinical testing. Allele origin: germline.
Comment: This missense change has been observed in individual(s) with long QT syndrome (Invitae). In at least one individual the variant was observed to be de novo. For these reasons, this variant has been classified as Pathogenic. Experimental studies have shown that this missense change affects KCNQ1 function (PMID: 30571187). Algorithms developed to predict the effect of missense changes on protein structure and function (SIFT, PolyPhen-2, Align-GVGD) all suggest that this variant is likely to be disruptive. ClinVar contains an entry for this variant (Variation ID: 200895). This variant is not present in population databases (gnomAD no frequency). This sequence change replaces aspartic acid, which is acidic and polar, with glycine, which is neutral and non-polar, at codon 202 of the KCNQ1 protein (p.Asp202Gly).

GeneDx
Classification: Pathogenic. Last evaluated: 2011-10-25. Review status: criteria provided, single submitter. Criteria: GeneDx Variant Classification (06012015). Collection method: clinical testing. Allele origin: germline. Affected: yes.
Comment: This missense change is denoted Asp202Gly (aka D202G) at the protein level and c.605 A>G at the cDNA level. The Asp202Gly missense change has not been reported previously as a disease-causing mutation or as a benign polymorphism, to our knowledge. Asp202Gly results in a non-conservative amino acid substitution of a polar Aspartic acid with a non-polar Glycine at a position that is highly conserved across species. Mutations affecting this same codon (Asp202His, Asp202Asn) and nearby codons (Ser199Ala, Leu203Pro, Ile204Met,Ile204Phe) have been reported in association with LQTS, further supporting the functional importance of this region of the protein. Furthermore, functional studies for the two reported mutations at this codon (Asp202His, Asp202Asn) indicate that both sequence changes alter channel function (Eldstrom J et al., 2010). The variant is found in LQT panel(s).

Literature cited by the submitters: PubMed 30571187 (cited by Labcorp Genetics (formerly Invitae), Labcorp).